The following is an entry in ClinVar:

NM_001267550.2(TTN):c.107702C>T (p.Ala35901Val)

Genes: TTN (titin; minus strand), TTN-AS1 (TTN antisense RNA 1; plus strand). Cytogenetic location: 2q31.2.
Variant type: single nucleotide variant.
Coding change: c.107702C>T on transcript NM_001267550.2 (MANE Select); coding-DNA position 107702, C replaced by T.
Protein change: p.Ala35901Val; replaces alanine 35901 with valine.
Molecular consequence: missense variant.
Genome position (GRCh38, 1-based): chr2:178,527,286, G>A on the plus strand (C>T on the coding strand, the complement: TTN is on the minus strand). VCF-style: chr2-178527286-G-A. GRCh37 (hg19) VCF-style: chr2-179392013-G-A.
Other names: c.102779C>T, p.Ala34260Val (NM_001256850.1); c.80507C>T, p.Ala26836Val (NM_003319.4); c.99998C>T, p.Ala33333Val (NM_133378.4); c.80882C>T, p.Ala26961Val (NM_133432.3); c.81083C>T, p.Ala27028Val (NM_133437.4); short protein forms A26836V, A27028V, A33333V, A35901V, A26961V, A34260V.
Identifiers: ClinVar variation 2950479 (VCV002950479.3), dbSNP rs2468232553, ClinGen allele CA349399586.
Genomic context (GRCh38, chr2:178,527,286, plus strand): 5'-GTGAAAGCACAGGCTACTGTTAGAACTTTGCCTTCATCAATGCTGATATCAGATGGAAGA[G>A]CTTCAATTTTAGGCGGAATTCCTTTATGGAACAATGACAAAAAAAAGGTCTTAGAATCAC-3'
Protein context (NP_001254479.2, residues 35891-35911): GIRGIPPKIE[Ala35901Val]LPSDISIDEG

ClinVar aggregate classification (germline): Uncertain significance (1 of 4 stars; one submission).

Conditions:
Dilated cardiomyopathy 1G (CMD1G). Identifiers: Orphanet 154, MedGen C1858763, MONDO:0011400, OMIM 604145.
Autosomal recessive limb-girdle muscular dystrophy type 2J (LGMDR10). Also called: Limb-girdle muscular dystrophy, type 2J; MUSCULAR DYSTROPHY, LIMB-GIRDLE, AUTOSOMAL RECESSIVE 10. Identifiers: Orphanet 140922, MedGen C1837342, MONDO:0012127, OMIM 608807.

Allele frequency attached by ClinVar (database versions not stated): gnomAD exomes below 0.00001.
gnomAD v4.1: 1 of 1,597,048 alleles (0.000063%); highest among the groups gnomAD compares: South Asian, 0.0011%; no homozygotes.

Submission:

Labcorp Genetics (formerly Invitae), Labcorp
Classification: Uncertain significance for Dilated cardiomyopathy 1G; Autosomal recessive limb-girdle muscular dystrophy type 2J. Last evaluated: 2023-07-30. Review status: criteria provided, single submitter. Criteria: Invitae Variant Classification Sherloc (09022015). Collection method: clinical testing. Allele origin: germline.
Comment: This variant is located in the M band of TTN (PMID: 25589632). Variants in this region may be relevant for neuromuscular disorders, but have not been definitively shown to cause cardiomyopathy (PMID: 23975875). This sequence change replaces alanine, which is neutral and non-polar, with valine, which is neutral and non-polar, at codon 35901 of the TTN protein (p.Ala35901Val). In summary, the available evidence is currently insufficient to determine the role of this variant in disease. Therefore, it has been classified as a Variant of Uncertain Significance. Experimental studies and prediction algorithms are not available or were not evaluated, and the functional significance of this variant is currently unknown. This variant has not been reported in the literature in individuals affected with TTN-related conditions. This variant is not present in population databases (gnomAD no frequency).

Literature cited by the submitters: PubMed 25589632; PubMed 23975875.